The following is an entry in ClinVar:

NM_003900.5(SQSTM1):c.772G>A (p.Asp258Asn)

Gene: SQSTM1 (sequestosome 1; plus strand). Cytogenetic location: 5q35.3.
Variant type: single nucleotide variant.
Coding change: c.772G>A on transcript NM_003900.5 (MANE Select); coding-DNA position 772, G replaced by A.
Protein change: p.Asp258Asn; replaces aspartic acid 258 with asparagine.
Molecular consequence: missense variant.
Genome position (GRCh38, 1-based): chr5:179,833,049, G>A. VCF-style: chr5-179833049-G-A. GRCh37 (hg19) VCF-style: chr5-179260049-G-A.
Other names: c.520G>A, p.Asp174Asn (NM_001142298.2, NM_001142299.2); c.772G>A (NM_003900.4); short protein forms D174N, D258N.
Identifiers: ClinVar variation 1346690 (VCV001346690.9), dbSNP rs774986849, ClinGen allele CA3600675.

ClinVar aggregate classification (germline): Uncertain significance. Review status: criteria provided, multiple submitters, no conflicts (2 of 4 stars). 3 submissions from 3 submitters: Uncertain significance (2). 1 of the submissions does not count toward it. Last evaluated 2026-01-19.

Conditions:
Frontotemporal dementia and/or amyotrophic lateral sclerosis 1 (FTDALS1). Also called: C9orf72 Frontotemporal Dementia and/or Amyotrophic Lateral Sclerosis; Frontotemporal dementia with motor neuron disease 1. Identifiers: Orphanet 275872, MedGen C5779877, MONDO:0007105, OMIM 105550.
Paget disease of bone 2, early-onset (PDB2). Also called: Paget disease of bone 2. Identifiers: MedGen C4085251, MONDO:0011183, OMIM 602080.
SQSTM1-related disorder. Also called: SQSTM1-Related Disorders.

Allele frequency attached by ClinVar (database versions not stated): gnomAD exomes 0.00001; ExAC 0.00002; gnomAD 0.00003; TOPMed 0.00004.
gnomAD v4.1: 25 of 1,613,980 alleles (0.0015%); highest among the groups gnomAD compares: Admixed American, 0.0033%; no homozygotes.

Submissions (3):

Labcorp Genetics (formerly Invitae), Labcorp
Classification: Uncertain significance for Paget disease of bone 2, early-onset; Frontotemporal dementia and/or amyotrophic lateral sclerosis 1. Last evaluated: 2026-01-19. Review status: criteria provided, single submitter. Criteria: Invitae Variant Classification Sherloc (09022015). Collection method: clinical testing. Allele origin: germline.
Comment: This sequence change replaces aspartic acid, which is acidic and polar, with asparagine, which is neutral and polar, at codon 258 of the SQSTM1 protein (p.Asp258Asn). This variant is present in population databases (rs774986849, gnomAD 0.007%). This missense change has been observed in individual(s) with amyotrophic lateral sclerosis (PMID: 24899140). ClinVar contains an entry for this variant (Variation ID: 1346690). Invitae Evidence Modeling of protein sequence and biophysical properties (such as structural, functional, and spatial information, amino acid conservation, physicochemical variation, residue mobility, and thermodynamic stability) has been performed for this missense variant. However, the output from this modeling did not meet the statistical confidence thresholds required to predict the impact of this variant on SQSTM1 protein function. In summary, the available evidence is currently insufficient to determine the role of this variant in disease. Therefore, it has been classified as a Variant of Uncertain Significance.

Revvity Omics, Revvity
Classification: Uncertain significance. Last evaluated: 2025-04-08. Review status: criteria provided, single submitter. Criteria: ACMG Guidelines, 2015. Collection method: clinical testing. Allele origin: germline.

PreventionGenetics, part of Exact Sciences
Classification: Uncertain significance for SQSTM1-related condition. Last evaluated: 2024-09-10. Review status: no assertion criteria provided. Collection method: clinical testing. Allele origin: germline. Not counted in ClinVar's aggregate classification.
Comment: The SQSTM1 c.772G>A variant is predicted to result in the amino acid substitution p.Asp258Asn. This variant was reported in an individual with amyotrophic lateral sclerosis (van der Zee et al. 2014. PubMed ID: 24899140). This variant is reported in 0.0062% of alleles in individuals of African descent in gnomAD. At this time, the clinical significance of this variant is uncertain due to the absence of conclusive functional and genetic evidence.

Literature cited by the submitters: PubMed 24899140 (cited by Labcorp Genetics (formerly Invitae), Labcorp).